The following is an entry in ClinVar:

NM_080916.3(DGUOK):c.696C>T (p.His232=)

Gene: DGUOK (deoxyguanosine kinase; plus strand). Cytogenetic location: 2p13.1.
Variant type: single nucleotide variant.
Coding change: c.696C>T on transcript NM_080916.3 (MANE Select); coding-DNA position 696, C replaced by T.
Protein change: p.His232=; no amino-acid change (histidine 232 retained).
Molecular consequence: synonymous variant. On other transcripts: non-coding transcript variant (1), intron variant (2).
Genome position (GRCh38, 1-based): chr2:73,957,229, C>T. VCF-style: chr2-73957229-C-T. GRCh37 (hg19) VCF-style: chr2-74184356-C-T.
Other names: c.405C>T, p.His135= (NM_001318860.2, NM_001318861.2); c.387C>T, p.His129= (NM_001318862.2, NM_001318863.2); c.444-917C>T (NM_080918.3); c.426-917C>T (NM_001318859.2).
Identifiers: ClinVar variation 681415 (VCV000681415.14), dbSNP rs149649618, ClinGen allele CA1718325.
Genomic context (GRCh38, chr2:73,957,229, plus strand): 5'-AGGAATTGAGCTGGCCTATCTAGAGCAGCTGCATGGCCAACACGAAGCCTGGCTTATTCA[C>T]AAGACAACGAAGTAAGTGGGGAGAAAAGAATGTATCAGAGACAGAGACCTGGCTCCCAAC-3'
Protein context (NP_550438.1, residues 222-242): LHGQHEAWLI[His232=]KTTKLHFEAL

ClinVar aggregate classification (germline): Conflicting classifications of pathogenicity. Review status: criteria provided, conflicting classifications (1 of 4 stars). 4 submissions from 4 submitters: Uncertain significance (1); Likely benign (3). Last evaluated 2026-09-04.

Conditions:
DGUOK-related disorder. Also called: DGUOK-related condition.

Allele frequency attached by ClinVar (database versions not stated): gnomAD 0.00002 and 0.00003; TOPMed 0.00003; ESP Exome Variant Server 0.00008; ExAC 0.00009; gnomAD exomes 0.00009.
gnomAD v4.1: 150 of 1,613,482 alleles (0.0093%); highest among the groups gnomAD compares: South Asian, 0.026%; 3 homozygotes.

Submissions (4):

PreventionGenetics, part of Exact Sciences
Classification: Uncertain significance for DGUOK-related condition. Last evaluated: 2026-09-04. Review status: criteria provided, single submitter. Criteria: ACMG Guidelines, 2015. Collection method: clinical testing. Allele origin: germline.
Comment: The DGUOK c.696C>T is a noncoding alteration. This variant is predicted to alter splicing based on available splicing prediction programs (SpliceAI, Jaganathan et al. 2019. PubMed ID: 30661751). To our knowledge, this variant has not been reported in the literature. This variant is reported in 0.036% of alleles in individuals of South Asian descent in gnomAD. At this time, the clinical significance of this variant is uncertain due to the absence of conclusive functional and genetic evidence.

Labcorp Genetics (formerly Invitae), Labcorp
Classification: Likely benign. Last evaluated: 2025-09-01. Review status: criteria provided, single submitter. Criteria: Invitae Variant Classification Sherloc (09022015). Collection method: clinical testing. Allele origin: germline.

Blueprint Genetics
Classification: Likely benign. Last evaluated: 2024-11-13. Review status: criteria provided, single submitter. Criteria: ACMG Guidelines, 2015. Collection method: clinical testing. Allele origin: germline.

GeneDx
Classification: Likely benign. Last evaluated: 2019-07-19. Review status: criteria provided, single submitter. Criteria: GeneDx Variant Classification Process June 2021. Collection method: clinical testing. Allele origin: germline. Affected: yes.